The following is an entry in ClinVar:

ClinVar aggregate classification (germline): Pathogenic/Likely pathogenic. Review status: criteria provided, multiple submitters, no conflicts (2 of 4 stars). 4 submissions from 4 submitters: Pathogenic (1); Likely pathogenic (3). Last evaluated 2024-06-12.

Conditions:
Neuronal ceroid lipofuscinosis 7 (CLN7). Also called: MFSD8-Related Neuronal Ceroid-Lipofuscinosis. Identifiers: Orphanet 168491, Orphanet 228366, MedGen C1838571, MONDO:0012588, OMIM 610951.
Macular dystrophy with central cone involvement (CCMD). Identifiers: MedGen C4015371, MONDO:0014515, OMIM 616170.

Allele frequency attached by ClinVar (database versions not stated): gnomAD exomes below 0.00001.
gnomAD v4.1: 1 of 1,611,316 alleles (0.000062%); highest among the groups gnomAD compares: Non-Finnish European, 0.000085%; no homozygotes.

Submissions (4):

Fulgent Genetics
Classification: Likely pathogenic for Neuronal ceroid lipofuscinosis 7; Macular dystrophy with central cone involvement. Last evaluated: 2024-06-12. Review status: criteria provided, single submitter. Criteria: ACMG Guidelines, 2015. Collection method: clinical testing. Allele origin: germline.

CeGaT Center for Human Genetics Tuebingen
Classification: Pathogenic. Last evaluated: 2023-10-01. Review status: criteria provided, single submitter. Criteria: CeGaT Center For Human Genetics Tuebingen Variant Classification Criteria Version 2. Collection method: clinical testing. Allele origin: germline. Affected: yes. Observed: 1 variant allele.
Comment: MFSD8: PVS1, PM2

Labcorp Genetics (formerly Invitae), Labcorp
Classification: Likely pathogenic for Neuronal ceroid lipofuscinosis 7. Last evaluated: 2023-06-18. Review status: criteria provided, single submitter. Criteria: Invitae Variant Classification Sherloc (09022015). Collection method: clinical testing. Allele origin: germline.
Comment: In summary, the currently available evidence indicates that the variant is pathogenic, but additional data are needed to prove that conclusively. Therefore, this variant has been classified as Likely Pathogenic. Algorithms developed to predict the effect of sequence changes on RNA splicing suggest that this variant may disrupt the consensus splice site. ClinVar contains an entry for this variant (Variation ID: 504403). This variant has not been reported in the literature in individuals affected with MFSD8-related conditions. This variant is not present in population databases (gnomAD no frequency). This sequence change affects a donor splice site in intron 6 of the MFSD8 gene. It is expected to disrupt RNA splicing. Variants that disrupt the donor or acceptor splice site typically lead to a loss of protein function (PMID: 16199547), and loss-of-function variants in MFSD8 are known to be pathogenic (PMID: 19177532, 25227500, 28586915).

GeneDx
Classification: Likely pathogenic. Last evaluated: 2018-02-23. Review status: criteria provided, single submitter. Criteria: GeneDx Variant Classification (06012015). Collection method: clinical testing. Allele origin: germline. Affected: yes.
Comment: The c.553+1G>A variant in the MFSD8 gene has not been reported previously as a pathogenic variant nor as a benign variant, to our knowledge. This splice site variant destroys the canonical splice donor site in intron 6. It is predicted to cause abnormal gene splicing, either leading to an abnormal message that is subject to nonsense-mediated mRNA decay, or to an abnormal protein product if the message is used for protein translation. The c.553+1G>A variant is not observed in large population cohorts (Lek et al., 2016). We interpret c.553+1G>A as a likely pathogenic variant.

Literature cited by the submitters: PubMed 16199547 (cited by Labcorp Genetics (formerly Invitae), Labcorp); PubMed 19177532 (cited by Labcorp Genetics (formerly Invitae), Labcorp); PubMed 25227500 (cited by Labcorp Genetics (formerly Invitae), Labcorp); PubMed 28586915 (cited by Labcorp Genetics (formerly Invitae), Labcorp).

NM_001371596.2(MFSD8):c.553+1G>A

Gene: MFSD8 (major facilitator superfamily domain containing 8; minus strand). Cytogenetic location: 4q28.2.
Variant type: single nucleotide variant.
Coding change: c.553+1G>A on transcript NM_001371596.2 (MANE Select); the canonical splice donor site of the intron after coding-DNA position 553, G replaced by A.
Molecular consequence: splice donor variant. On other transcripts: missense variant (1), intron variant (4).
Genome position (GRCh38, 1-based): chr4:127,942,044, C>T on the plus strand (G>A on the coding strand, the complement: MFSD8 is on the minus strand). VCF-style: chr4-127942044-C-T. GRCh37 (hg19) VCF-style: chr4-128863199-C-T.
Other names: c.554G>A, p.Gly185Asp (NM_001371592.2); c.418+1G>A (NM_001371595.1, NM_001371590.2); c.304+1708G>A (NM_001410765.1); c.553+1G>A (NM_152778.4, NM_001363520.3, NM_001371594.2 and 2 more transcripts); c.439+1708G>A (NM_001363521.3, NM_001410766.1, NM_001371593.2); short protein forms G185D.
Identifiers: ClinVar variation 504403 (VCV000504403.32), dbSNP rs1553950197, ClinGen allele CA358175979.